The following is an entry in ClinVar:

NM_144599.5(NIPA1):c.479-239C>T

Gene: NIPA1 (NIPA magnesium transporter 1; plus strand). Cytogenetic location: 15q11.2.
Variant type: single nucleotide variant.
Coding change: c.479-239C>T on transcript NM_144599.5 (MANE Select); 239 bases into the intron before coding-DNA position 479, C replaced by T.
Molecular consequence: intron variant.
Genome position (GRCh38, 1-based): chr15:22,823,489, C>T. VCF-style: chr15-22823489-C-T. GRCh37 (hg19) VCF-style: chr15-23049579-G-A.
Other names: c.254-239C>T (NM_001142275.1).
Identifiers: ClinVar variation 667674 (VCV000667674.1), dbSNP rs61656257, ClinGen allele CA14127263.

ClinVar aggregate classification (germline): Benign (1 of 4 stars; one submission).

Allele frequency attached by ClinVar (database versions not stated): 1000 Genomes Project 0.24960; 1000 Genomes Project 30x 0.25468; TOPMed 0.27546; gnomAD 0.27635.
gnomAD v4.1: 42,697 of 152,104 alleles (28%); highest among the groups gnomAD compares: Non-Finnish European, 32%; 6,226 homozygotes.

Submission:

GeneDx
Classification: Benign. Last evaluated: 2018-06-14. Review status: criteria provided, single submitter. Criteria: GeneDx Variant Classification (06012015). Collection method: clinical testing. Allele origin: germline. Affected: yes.
Comment: This variant is considered likely benign or benign based on one or more of the following criteria: it is a conservative change, it occurs at a poorly conserved position in the protein, it is predicted to be benign by multiple in silico algorithms, and/or has population frequency not consistent with disease.